The following is an entry in ClinVar:

NM_016169.4(SUFU):c.1092del (p.Gln365fs)

Gene: SUFU (SUFU negative regulator of hedgehog signaling; plus strand). Cytogenetic location: 10q24.32.
Variant type: Deletion.
Coding change: c.1092del on transcript NM_016169.4 (MANE Select); coding-DNA position 1092, one base deleted (G; older notation c.1092delG).
Protein change: p.Gln365fs; shifts the reading frame from glutamine 365.
Molecular consequence: frameshift variant.
Genome position (GRCh38, 1-based): chr10:102,615,337, G deleted; the last of 2 consecutive G bases (chr10:102,615,336-102,615,337); deleting either gives the same sequence. VCF-style (leftmost placement, unchanged base first): chr10-102615335-CG-C. GRCh37 (hg19) VCF-style: chr10-104375092-CG-C.
Other names: c.1092del, p.Gln365fs (NM_001178133.2); short protein forms Q365fs.
Identifiers: ClinVar variation 4759329 (VCV004759329.1).

ClinVar aggregate classification (germline): Likely pathogenic (1 of 4 stars; one submission).

Conditions:
Basal cell nevus syndrome 2 (BCNS2). Also called: NEVOID BASAL CELL CARCINOMA SYNDROME 2. Identifiers: MedGen C5830451, MONDO:0958189, OMIM 620343.

Submission:

Institute for Genomic Medicine (IGM) Clinical Laboratory, Nationwide Children's Hospital
Classification: Likely pathogenic for Basal cell nevus syndrome 2. Last evaluated: 2024-02-09. Review status: criteria provided, single submitter. Criteria: ACMG Guidelines, 2015. Collection method: clinical testing. Allele origin: germline.
Comment: This variant is predicted to result in loss of function through nonsense-mediated decay of the encoded transcript or premature truncation of the encoded protein in a gene in which loss of function is a known mechanism of disease (ACMG/AMP: PVS1; PMIDs:17452975, 25403219, 29186568, 29725392). This variant is absent from or present at an exceedingly low frequency in gnomAD, a large-scale control population database (ACMG/AMP: PM2).

Literature cited by the submitters: PubMed 17452975; PubMed 25403219; PubMed 29186568; PubMed 29725392.